The following is an entry in ClinVar:

ClinVar aggregate classification (germline): Uncertain significance. Review status: criteria provided, multiple submitters, no conflicts (2 of 4 stars). 2 submissions from 2 submitters: Uncertain significance (2). Last evaluated 2024-12-23.

Conditions:
Inborn genetic diseases. Identifiers: MedGen C0950123, MeSH D030342.

Allele frequency attached by ClinVar (database versions not stated): gnomAD exomes below 0.00001; TOPMed below 0.00001; gnomAD 0.00001.
gnomAD v4.1: 6 of 1,608,422 alleles (0.00037%); highest among the groups gnomAD compares: Non-Finnish European, 0.00051%; no homozygotes.

Submissions (2):

Ambry Genetics
Classification: Uncertain significance for Inborn genetic diseases. Last evaluated: 2024-12-23. Review status: criteria provided, single submitter. Criteria: Ambry Variant Classification Scheme 2023. Collection method: clinical testing. Allele origin: germline.

Labcorp Genetics (formerly Invitae), Labcorp
Classification: Uncertain significance. Last evaluated: 2022-12-31. Review status: criteria provided, single submitter. Criteria: Invitae Variant Classification Sherloc (09022015). Collection method: clinical testing. Allele origin: germline.
Comment: In summary, the available evidence is currently insufficient to determine the role of this variant in disease. Therefore, it has been classified as a Variant of Uncertain Significance. Advanced modeling of protein sequence and biophysical properties (such as structural, functional, and spatial information, amino acid conservation, physicochemical variation, residue mobility, and thermodynamic stability) performed at Invitae indicates that this missense variant is not expected to disrupt DNA2 protein function. This variant has not been reported in the literature in individuals affected with DNA2-related conditions. This variant is present in population databases (no rsID available, gnomAD 0.002%). This sequence change replaces phenylalanine, which is neutral and non-polar, with valine, which is neutral and non-polar, at codon 758 of the DNA2 protein (p.Phe758Val).

NM_001080449.3(DNA2):c.2272T>G (p.Phe758Val)

Gene: DNA2 (DNA replication helicase/nuclease 2; minus strand). Cytogenetic location: 10q21.3.
Variant type: single nucleotide variant.
Coding change: c.2272T>G on transcript NM_001080449.3 (MANE Select); coding-DNA position 2272, T replaced by G.
Protein change: p.Phe758Val; replaces phenylalanine 758 with valine.
Molecular consequence: missense variant. On other transcripts: non-coding transcript variant (1).
Genome position (GRCh38, 1-based): chr10:68,422,827, A>C on the plus strand (T>G on the coding strand, the complement: DNA2 is on the minus strand). VCF-style: chr10-68422827-A-C. GRCh37 (hg19) VCF-style: chr10-70182584-A-C.
Other names: c.2272T>G (NM_001080449.2); short protein forms F758V.
Identifiers: ClinVar variation 2895163 (VCV002895163.4), dbSNP rs1027703682, ClinGen allele CA208194705.